The following is an entry in ClinVar:

ClinVar aggregate classification (germline): Conflicting classifications of pathogenicity. Review status: criteria provided, conflicting classifications (1 of 4 stars). 4 submissions from 4 submitters: Uncertain significance (3); Likely benign (1). Last evaluated 2026-04-11.

Conditions:
Hereditary cancer-predisposing syndrome. Also called: Hereditary Cancer Syndrome; Tumor predisposition; Hereditary neoplastic syndrome; Neoplastic Syndromes, Hereditary. Identifiers: Orphanet 140162, MedGen C0027672, MeSH D009386, MONDO:0015356.
Hereditary breast ovarian cancer syndrome. Also called: Hereditary breast and ovarian cancer syndrome; Hereditary breast and/or ovarian cancer syndrome; Hereditary breast and ovarian cancer syndrome (HBOC); Hereditary breast and ovarian cancer; Breast and ovarian cancer; BRCA1- and BRCA2-Associated Hereditary Breast and Ovarian Cancer. Identifiers: Orphanet 145, MedGen C0677776, MeSH D061325, MONDO:0003582. Disease mechanism: loss of function.

Submissions (4):

Ambry Genetics
Classification: Uncertain significance for Hereditary cancer-predisposing syndrome. Last evaluated: 2026-04-11. Review status: criteria provided, single submitter. Criteria: Ambry Variant Classification Scheme 2023. Collection method: clinical testing. Allele origin: germline.
Comment: The p.R691T variant (also known as c.2072G>C), located in coding exon 9 of the BRCA1 gene, results from a G to C substitution at nucleotide position 2072. The arginine at codon 691 is replaced by threonine, an amino acid with similar properties. This amino acid position is conserved. In addition, the in silico prediction for this alteration is inconclusive. Based on the available evidence, the clinical significance of this variant remains unclear.

University of Washington Department of Laboratory Medicine, University of Washington
Classification: Likely benign for Hereditary cancer-predisposing syndrome. Last evaluated: 2023-03-23. Review status: criteria provided, single submitter. Criteria: Dines et al. (Genet Med. 2020). Collection method: curation. Allele origin: germline.
Comment: Missense variant in a coldspot region where missense variants are very unlikely to be pathogenic (PMID:31911673).

BRCA1 coldspot (exon 11 using historical exon numbering). Reclassification based on statistical prior probability

Labcorp Genetics (formerly Invitae), Labcorp
Classification: Uncertain significance for Hereditary breast ovarian cancer syndrome. Last evaluated: 2018-04-12. Review status: criteria provided, single submitter. Criteria: Invitae Variant Classification Sherloc (09022015). Collection method: clinical testing. Allele origin: germline.
Comment: In summary, the available evidence is currently insufficient to determine the role of this variant in disease. Therefore, it has been classified as a Variant of Uncertain Significance. Algorithms developed to predict the effect of missense changes on protein structure and function do not agree on the potential impact of this missense change (SIFT: "Tolerated"; PolyPhen-2: "Possibly Damaging"; Align-GVGD: "Class C0"). This variant has not been reported in the literature in individuals with BRCA1-related disease. ClinVar contains an entry for this variant (Variation ID: 438916). This variant is not present in population databases (ExAC no frequency). This sequence change replaces arginine with threonine at codon 691 of the BRCA1 protein (p.Arg691Thr). The arginine residue is moderately conserved and there is a moderate physicochemical difference between arginine and threonine.

Quest Diagnostics Nichols Institute San Juan Capistrano
Classification: Uncertain significance. Last evaluated: 2017-04-17. Review status: criteria provided, single submitter. Criteria: Quest Diagnostics criteria. Collection method: clinical testing. Allele origin: germline.

NM_007294.4(BRCA1):c.2072G>C (p.Arg691Thr)

Gene: BRCA1 (BRCA1 DNA repair associated; minus strand). Cytogenetic location: 17q21.31.
Variant type: single nucleotide variant.
Coding change: c.2072G>C on transcript NM_007294.4 (MANE Select); coding-DNA position 2072, G replaced by C.
Protein change: p.Arg691Thr; replaces arginine 691 with threonine.
Molecular consequence: missense variant. On other transcripts: intron variant (137).
Genome position (GRCh38, 1-based): chr17:43,093,459, C>G on the plus strand (G>C on the coding strand, the complement: BRCA1 is on the minus strand). VCF-style: chr17-43093459-C-G. GRCh37 (hg19) VCF-style: chr17-41245476-C-G.
Other names: c.2072G>C, p.Arg691Thr (NM_001407617.1, NM_001407618.1, NM_001407619.1 and 30 more transcripts); c.2069G>C, p.Arg690Thr (NM_001407636.1, NM_001407637.1, NM_001407638.1 and 22 more transcripts); c.2063G>C, p.Arg688Thr (NM_001407646.1, NM_001407647.1); c.1994G>C, p.Arg665Thr (NM_001407658.1, NM_001407663.1, NM_001407653.1 and 4 more transcripts); c.1991G>C, p.Arg664Thr (NM_001407659.1, NM_001407660.1, NM_001407661.1 and 1 more transcripts); c.1949G>C, p.Arg650Thr (NM_001407664.1, NM_001407665.1, NM_001407666.1 and 19 more transcripts); c.1946G>C, p.Arg649Thr (NM_001407685.1, NM_001407686.1, NM_001407940.1 and 11 more transcripts); c.1931G>C, p.Arg644Thr (NM_001407697.1, NM_001407698.1, NM_001407724.1 and 29 more transcripts); and 40 more; short protein forms R691T, R644T, R523T, R603T, R621T, R623T, R580T, R602T.
Identifiers: ClinVar variation 438916 (VCV000438916.14), dbSNP rs1555590574, ClinGen allele CA10597858.